The following is an entry in ClinVar:

ClinVar aggregate classification (germline): Likely benign (1 of 4 stars; one submission).

Submission:

CeGaT Center for Human Genetics Tuebingen
Classification: Likely benign. Last evaluated: 2025-02-01. Review status: criteria provided, single submitter. Criteria: CeGaT Center For Human Genetics Tuebingen Variant Classification Criteria Version 2. Collection method: clinical testing. Allele origin: germline. Affected: yes. Observed: 1 variant allele.
Comment: OR2V2: BP4, BP7

NM_206880.2(OR2V2):c.90C>T (p.Ser30=)

Gene: OR2V2 (olfactory receptor family 2 subfamily V member 2; plus strand). Cytogenetic location: 5q35.3.
Variant type: single nucleotide variant.
Coding change: c.90C>T on transcript NM_206880.2 (MANE Select); coding-DNA position 90, C replaced by T.
Protein change: p.Ser30=; no amino-acid change (serine 30 retained).
Molecular consequence: synonymous variant.
Genome position (GRCh38, 1-based): chr5:181,155,032, C>T. VCF-style: chr5-181155032-C-T. GRCh37 (hg19) VCF-style: chr5-180582032-C-T.
Identifiers: ClinVar variation 3770911 (VCV003770911.13).